The following is an entry in ClinVar:

NM_001167.4(XIAP):c.*3383T>C

Gene: XIAP (X-linked inhibitor of apoptosis; plus strand). Cytogenetic location: Xq25.
Variant type: single nucleotide variant.
Coding change: c.*3383T>C on transcript NM_001167.4 (MANE Select); 3383 bases downstream of the stop codon, T replaced by C.
Molecular consequence: 3 prime UTR variant. On other transcripts: non-coding transcript variant (2).
Genome position (GRCh38, 1-based): chrX:123,910,564, T>C. VCF-style: chrX-123910564-T-C. GRCh37 (hg19) VCF-style: chrX-123044414-T-C.
Other names: c.*3383T>C (NM_001204401.2, NM_001378590.1, NM_001378591.1 and 1 more transcripts).
Identifiers: ClinVar variation 367822 (VCV000367822.6), dbSNP rs17330651, ClinGen allele CA10508307.
Genomic context (GRCh38, chrX:123,910,564, plus strand): 5'-AATGGGGAAAGGGGCTAGTATATCAGTAGGATATACTATGGGATGTATATATATCATTGC[T>C]GTTAGAGAAATGAAATAAAATGGGGCTGGGCTCAGTGGCTCACGCCTGTAATCCCAGCAC-3'

ClinVar aggregate classification (germline): Benign. Review status: criteria provided, multiple submitters, no conflicts (2 of 4 stars). 2 submissions from 2 submitters: Benign (2). Last evaluated 2017-04-27.

Conditions:
X-linked lymphoproliferative disease due to XIAP deficiency. Also called: XIAP DEFICIENCY; XIAP-Related Lymphoproliferative Disease, X-Linked. Identifiers: Orphanet 2442, Orphanet 538934, MedGen C1845076, MONDO:0010385, OMIM 300635.

Allele frequency attached by ClinVar (database versions not stated): gnomAD 0.18705 and 0.19417; TOPMed 0.19304; gnomAD exomes 0.23742 and 0.24502; 1000 Genomes Project 30x 0.25744; 1000 Genomes Project 0.26675; ExAC 0.32644.
gnomAD v4.1: 72,578 of 326,341 alleles (22%); highest among the groups gnomAD compares: South Asian, 39%; 5,170 homozygotes.

Submissions (2):

Illumina Laboratory Services, Illumina
Classification: Benign for X-linked lymphoproliferative disease due to XIAP deficiency. Last evaluated: 2017-04-27. Review status: criteria provided, single submitter. Criteria: ICSL Variant Classification Criteria 13 December 2019. Collection method: clinical testing. Allele origin: germline.
Comment: This variant was observed as part of a predisposition screen in an ostensibly healthy population. A literature search was performed for the gene, cDNA change, and amino acid change (where applicable). No publications were found based on this search. Allele frequency data from public databases was too high to be consistent with this variant causing disease. Therefore, this variant is classified as benign.

Breakthrough Genomics
Classification: Benign. Review status: criteria provided, single submitter. Criteria: ACMG Guidelines, 2015. Collection method: not provided. Allele origin: germline. Inheritance: X-linked inheritance. Affected: yes.